The following is an entry in ClinVar:

NM_001170700.3(DTHD1):c.2488C>G (p.Arg830Gly)

Gene: DTHD1 (death domain containing 1; plus strand). Cytogenetic location: 4p14.
Variant type: single nucleotide variant.
Coding change: c.2488C>G on transcript NM_001170700.3 (MANE Select); coding-DNA position 2488, C replaced by G.
Protein change: p.Arg830Gly; replaces arginine 830 with glycine.
Molecular consequence: missense variant. On other transcripts: synonymous variant (1), non-coding transcript variant (2).
Genome position (GRCh38, 1-based): chr4:36,343,591, C>G. VCF-style: chr4-36343591-C-G. GRCh37 (hg19) VCF-style: chr4-36345213-C-G.
Other names: c.1618C>G, p.Arg540Gly (NM_001136536.5); c.1497C>G, p.Ala499= (NM_001378435.1); short protein forms R540G, R830G.
Identifiers: ClinVar variation 933799 (VCV000933799.10), dbSNP rs376760844, ClinGen allele CA2885745.

ClinVar aggregate classification (germline): Uncertain significance. Review status: criteria provided, multiple submitters, no conflicts (2 of 4 stars). 2 submissions from 2 submitters: Uncertain significance (2). Last evaluated 2025-06-24.

Allele frequency attached by ClinVar (database versions not stated): 1000 Genomes Project 0.00040; 1000 Genomes Project 30x 0.00062.
gnomAD v4.1: 165 of 1,551,736 alleles (0.011%); highest among the groups gnomAD compares: South Asian, 0.17%; 2 homozygotes.

Submissions (2):

Labcorp Genetics (formerly Invitae), Labcorp
Classification: Uncertain significance. Last evaluated: 2025-06-24. Review status: criteria provided, single submitter. Criteria: Invitae Variant Classification Sherloc (09022015). Collection method: clinical testing. Allele origin: germline.
Comment: This sequence change replaces arginine, which is basic and polar, with glycine, which is neutral and non-polar, at codon 540 of the DTHD1 protein (p.Arg540Gly). This variant is present in population databases (rs376760844, gnomAD 0.2%), and has an allele count higher than expected for a pathogenic variant. This variant has not been reported in the literature in individuals affected with DTHD1-related conditions. ClinVar contains an entry for this variant (Variation ID: 933799). An algorithm developed to predict the effect of missense changes on protein structure and function (PolyPhen-2) suggests that this variant is likely to be tolerated. In summary, the available evidence is currently insufficient to determine the role of this variant in disease. Therefore, it has been classified as a Variant of Uncertain Significance.

Blueprint Genetics
Classification: Uncertain significance. Last evaluated: 2024-11-19. Review status: criteria provided, single submitter. Criteria: ACMG Guidelines, 2015. Collection method: clinical testing. Allele origin: germline.